The following is an entry in ClinVar:

NM_016343.4(CENPF):c.855G>A (p.Ala285=)

Gene: CENPF (centromere protein F; plus strand). Cytogenetic location: 1q41.
Variant type: single nucleotide variant.
Coding change: c.855G>A on transcript NM_016343.4 (MANE Select); coding-DNA position 855, G replaced by A.
Protein change: p.Ala285=; no amino-acid change (alanine 285 retained).
Molecular consequence: synonymous variant.
Genome position (GRCh38, 1-based): chr1:214,620,936, G>A. VCF-style: chr1-214620936-G-A. GRCh37 (hg19) VCF-style: chr1-214794279-G-A.
Identifiers: ClinVar variation 715859 (VCV000715859.11), dbSNP rs114104425, ClinGen allele CA1389857.

ClinVar aggregate classification (germline): Benign/Likely benign. Review status: criteria provided, multiple submitters, no conflicts (2 of 4 stars). 3 submissions from 3 submitters: Benign (2); Likely benign (1). Last evaluated 2025-11-17.

Allele frequency attached by ClinVar (database versions not stated): ExAC 0.00122; gnomAD 0.00439 and 0.00469; ESP Exome Variant Server 0.00443; TOPMed 0.00515; 1000 Genomes Project 0.00539; 1000 Genomes Project 30x 0.00547.
gnomAD v4.1: 1,348 of 1,605,832 alleles (0.084%); highest among the groups gnomAD compares: African/African-American, 1.5%; 13 homozygotes.

Submissions (3):

Labcorp Genetics (formerly Invitae), Labcorp
Classification: Benign. Last evaluated: 2025-11-17. Review status: criteria provided, single submitter. Criteria: Invitae Variant Classification Sherloc (09022015). Collection method: clinical testing. Allele origin: germline.

GeneDx
Classification: Likely benign. Last evaluated: 2021-02-17. Review status: criteria provided, single submitter. Criteria: GeneDx Variant Classification Process June 2021. Collection method: clinical testing. Allele origin: germline. Affected: yes.
Comment: See Variant Classification Assertion Criteria.

Breakthrough Genomics
Classification: Benign. Review status: criteria provided, single submitter. Criteria: ACMG Guidelines, 2015. Collection method: not provided. Allele origin: germline. Inheritance: Autosomal recessive inheritance. Affected: yes.